The following is an entry in ClinVar:

ClinVar aggregate classification (germline): Uncertain significance (1 of 4 stars; one submission).

Conditions:
Congenital sideroblastic anemia-B-cell immunodeficiency-periodic fever-developmental delay syndrome. Also called: Sideroblastic anemia with B-cell immunodeficiency, periodic fevers, and developmental delay. Identifiers: Orphanet 369861, MedGen C4015172, MONDO:0014487, OMIM 616084.

Allele frequency attached by ClinVar (database versions not stated): gnomAD exomes 0.00001 and 0.00002; ExAC 0.00003; ESP Exome Variant Server 0.00008; gnomAD 0.00011; TOPMed 0.00012.
gnomAD v4.1: 38 of 1,613,916 alleles (0.0024%); highest among the groups gnomAD compares: African/African-American, 0.037%; no homozygotes.

Submission:

Labcorp Genetics (formerly Invitae), Labcorp
Classification: Uncertain significance for Congenital sideroblastic anemia-B-cell immunodeficiency-periodic fever-developmental delay syndrome. Last evaluated: 2022-10-17. Review status: criteria provided, single submitter. Criteria: Invitae Variant Classification Sherloc (09022015). Collection method: clinical testing. Allele origin: germline.
Comment: This sequence change replaces isoleucine, which is neutral and non-polar, with valine, which is neutral and non-polar, at codon 223 of the TRNT1 protein (p.Ile223Val). This variant is present in population databases (rs376974085, gnomAD 0.02%). This variant has not been reported in the literature in individuals affected with TRNT1-related conditions. ClinVar contains an entry for this variant (Variation ID: 648512). Advanced modeling of protein sequence and biophysical properties (such as structural, functional, and spatial information, amino acid conservation, physicochemical variation, residue mobility, and thermodynamic stability) performed at Invitae indicates that this missense variant is not expected to disrupt TRNT1 protein function. This variant disrupts the p.Ile223 amino acid residue in TRNT1. Other variant(s) that disrupt this residue have been determined to be pathogenic (PMID: 27370603, 29055896, 29358286). This suggests that this residue is clinically significant, and that variants that disrupt this residue are likely to be disease-causing. In summary, the available evidence is currently insufficient to determine the role of this variant in disease. Therefore, it has been classified as a Variant of Uncertain Significance.

Literature cited by the submitters: PubMed 27370603; PubMed 29055896; PubMed 29358286.

NM_182916.3(TRNT1):c.667A>G (p.Ile223Val)

Gene: TRNT1 (tRNA nucleotidyl transferase 1; plus strand). Cytogenetic location: 3p26.2.
Variant type: single nucleotide variant.
Coding change: c.667A>G on transcript NM_182916.3 (MANE Select); coding-DNA position 667, A replaced by G.
Protein change: p.Ile223Val; replaces isoleucine 223 with valine.
Molecular consequence: missense variant. On other transcripts: non-coding transcript variant (6).
Genome position (GRCh38, 1-based): chr3:3,146,488, A>G. VCF-style: chr3-3146488-A-G. GRCh37 (hg19) VCF-style: chr3-3188172-A-G.
Other names: c.667A>G, p.Ile223Val (LRG_1314t1, NM_001302946.2, NM_001367321.1 and 2 more transcripts); short protein forms I223V.
Identifiers: ClinVar variation 648512 (VCV000648512.5), dbSNP rs376974085, ClinGen allele CA2228751.